The following is an entry in ClinVar:

NM_000384.3(APOB):c.3233G>T (p.Arg1078Ile)

Gene: APOB (apolipoprotein B; minus strand). Cytogenetic location: 2p24.1.
Variant type: single nucleotide variant.
Coding change: c.3233G>T on transcript NM_000384.3 (MANE Select); coding-DNA position 3233, G replaced by T.
Protein change: p.Arg1078Ile; replaces arginine 1078 with isoleucine.
Molecular consequence: missense variant.
Genome position (GRCh38, 1-based): chr2:21,016,538, C>A on the plus strand (G>T on the coding strand, the complement: APOB is on the minus strand). VCF-style: chr2-21016538-C-A. GRCh37 (hg19) VCF-style: chr2-21239410-C-A.
Other names: short protein forms R1078I.
Identifiers: ClinVar variation 1729216 (VCV001729216.2), dbSNP rs1572788708, ClinGen allele CA346009537.

ClinVar aggregate classification (germline): Uncertain significance (1 of 4 stars; one submission).

Conditions:
Cardiovascular phenotype. Identifiers: MedGen CN230736.

Allele frequency attached by ClinVar (database versions not stated): gnomAD exomes below 0.00001.
gnomAD v4.1: 1 of 1,606,798 alleles (0.000062%); highest among the groups gnomAD compares: African/African-American, 0.0013%; no homozygotes.

Submission:

Ambry Genetics
Classification: Uncertain significance for Cardiovascular phenotype. Last evaluated: 2022-09-24. Review status: criteria provided, single submitter. Criteria: Ambry Variant Classification Scheme 2023. Collection method: clinical testing. Allele origin: germline.
Comment: The p.R1078I variant (also known as c.3233G>T), located in coding exon 21 of the APOB gene, results from a G to T substitution at nucleotide position 3233. The arginine at codon 1078 is replaced by isoleucine, an amino acid with similar properties. This amino acid position is conserved. In addition, this alteration is predicted to be tolerated by in silico analysis. Since supporting evidence is limited at this time, the clinical significance of this alteration remains unclear.